The following is an entry in ClinVar:

NM_032776.3(JMJD1C):c.6002C>T (p.Thr2001Ile)

Gene: JMJD1C (jumonji domain containing 1C; minus strand). Cytogenetic location: 10q21.3.
Variant type: single nucleotide variant.
Coding change: c.6002C>T on transcript NM_032776.3 (MANE Select); coding-DNA position 6002, C replaced by T.
Protein change: p.Thr2001Ile; replaces threonine 2001 with isoleucine.
Molecular consequence: missense variant. On other transcripts: non-coding transcript variant (1).
Genome position (GRCh38, 1-based): chr10:63,193,012, G>A on the plus strand (C>T on the coding strand, the complement: JMJD1C is on the minus strand). VCF-style: chr10-63193012-G-A. GRCh37 (hg19) VCF-style: chr10-64952772-G-A.
Other names: c.5456C>T, p.Thr1819Ile (NM_001282948.2, NM_001318154.2); c.5138C>T, p.Thr1713Ile (NM_001318153.2); c.5888C>T, p.Thr1963Ile (NM_001322252.2); c.5345C>T, p.Thr1782Ile (NM_001322254.2, NM_001322258.2); short protein forms T1782I, T2001I, T1819I, T1963I, T1713I.
Identifiers: ClinVar variation 858199 (VCV000858199.9), dbSNP rs747743034, ClinGen allele CA5517980.
Genomic context (GRCh38, chr10:63,193,012, plus strand): 5'-CTGGCTTTTTGCTCTGCAAGATCTGCTAACCAGTGCAGTGGTGACTGGGATTCTGGAGGA[G>A]TTAACTTGTTATCTGTGCCTACATCACTCTCTGGGCTGCTGCCACCATTTTTCTCAGACT-3'
Protein context (NP_116165.1, residues 1991-2011): ESDVGTDNKL[Thr2001Ile]PPESQSPLHW

ClinVar aggregate classification (germline): Uncertain significance (1 of 4 stars; one submission).

Conditions:
Early Myoclonic Encephalopathy. Identifiers: MedGen C0270855.

Allele frequency attached by ClinVar (database versions not stated): gnomAD exomes below 0.00001; TOPMed below 0.00001; ExAC 0.00001; gnomAD 0.00001.
gnomAD v4.1: 9 of 1,614,000 alleles (0.00056%); highest among the groups gnomAD compares: East Asian, 0.0089%; no homozygotes.

Submission:

Labcorp Genetics (formerly Invitae), Labcorp
Classification: Uncertain significance for Early Myoclonic Encephalopathy. Last evaluated: 2019-12-04. Review status: criteria provided, single submitter. Criteria: Invitae Variant Classification Sherloc (09022015). Collection method: clinical testing. Allele origin: germline.
Comment: This variant is present in population databases (rs747743034, ExAC 0.001%). This sequence change replaces threonine with isoleucine at codon 2001 of the JMJD1C protein (p.Thr2001Ile). The threonine residue is highly conserved and there is a moderate physicochemical difference between threonine and isoleucine. This variant has not been reported in the literature in individuals with JMJD1C-related conditions. In summary, the available evidence is currently insufficient to determine the role of this variant in disease. Therefore, it has been classified as a Variant of Uncertain Significance. Algorithms developed to predict the effect of missense changes on protein structure and function are either unavailable or do not agree on the potential impact of this missense change (SIFT: "Deleterious"; PolyPhen-2: "Possibly Damaging"; Align-GVGD: "Class C0").